The following is an entry in ClinVar:

ClinVar aggregate classification (germline): Uncertain significance (1 of 4 stars; one submission).

Submission:

GeneDx
Classification: Uncertain significance. Last evaluated: 2022-03-25. Review status: criteria provided, single submitter. Criteria: GeneDx Variant Classification Process June 2021. Collection method: clinical testing. Allele origin: germline. Affected: yes.
Comment: Not observed at significant frequency in large population cohorts (gnomAD); Frameshift variant predicted to result in protein truncation or nonsense mediated decay in a gene or region of a gene for which loss of function is not a well-established mechanism of disease; Has not been previously published as pathogenic or benign to our knowledge

NM_001130438.3(SPTAN1):c.6135dup (p.Asp2046fs)

Gene: SPTAN1 (spectrin alpha, non-erythrocytic 1; plus strand). Cytogenetic location: 9q34.11.
Variant type: Duplication.
Coding change: c.6135dup on transcript NM_001130438.3 (MANE Select); coding-DNA position 6135, one base duplicated (A; older notation c.6135dupA).
Protein change: p.Asp2046fs; shifts the reading frame from aspartic acid 2046.
Molecular consequence: frameshift variant.
Genome position (GRCh38, 1-based): chr9:128,625,834, A duplicated; the last of 3 consecutive A bases (chr9:128,625,832-128,625,834); duplicating any one gives the same sequence. VCF-style (leftmost placement, unchanged base first): chr9-128625831-C-CA. GRCh37 (hg19) VCF-style: chr9-131388110-C-CA.
Other names: c.6060dup, p.Asp2021fs (NM_001195532.2); c.6135dup, p.Asp2046fs (NM_001363759.2, NM_001375310.1, NM_001375311.2 and 1 more transcripts); c.6075dup, p.Asp2026fs (NM_001363765.2, NM_001375314.2); c.6171dup, p.Asp2058fs (NM_001375312.2, NM_001375318.1); c.6120dup, p.Asp2041fs (NM_003127.4); short protein forms D2021fs, D2026fs, D2041fs, D2046fs, D2058fs.
Identifiers: ClinVar variation 1707723 (VCV001707723.2), dbSNP rs2542189159, ClinGen allele CA2580079772.
Genomic context (GRCh38, chr9:128,625,831, plus strand): 5'-AACTTTTGACGCTGGGCTGCAGGCCTTCCAGCAGGAAGGCATTGCCAACATCACTGCCCT[C>CA]AAAGATCAGCTTCTCGCCGCCAAACACGTTCAGTCCAAGGCCATCGAGGCCCGGCACGCC-3'